The following is an entry in ClinVar:

NM_001164508.2(NEB):c.10282T>C (p.Phe3428Leu)

Gene: NEB (nebulin; minus strand). Cytogenetic location: 2q23.3.
Variant type: single nucleotide variant.
Coding change: c.10282T>C on transcript NM_001164508.2 (MANE Select); coding-DNA position 10282, T replaced by C.
Protein change: p.Phe3428Leu; replaces phenylalanine 3428 with leucine.
Molecular consequence: missense variant.
Genome position (GRCh38, 1-based): chr2:151,627,067, A>G on the plus strand (T>C on the coding strand, the complement: NEB is on the minus strand). VCF-style: chr2-151627067-A-G. GRCh37 (hg19) VCF-style: chr2-152483581-A-G.
Other names: c.10282T>C, p.Phe3428Leu (NM_001164507.2, NM_001271208.2); c.9553T>C, p.Phe3185Leu (NM_004543.5); c.9553T>C (NM_004543.4); short protein forms F3428L, F3185L.
Identifiers: ClinVar variation 1440260 (VCV001440260.4), dbSNP rs766193154, ClinGen allele CA1909076.

ClinVar aggregate classification (germline): Uncertain significance. Review status: criteria provided, multiple submitters, no conflicts (2 of 4 stars). 2 submissions from 2 submitters: Uncertain significance (2). Last evaluated 2024-02-05.

Conditions:
Nemaline myopathy 2 (NEM2). Also called: Nemaline myopathy 2, autosomal recessive. Identifiers: MedGen C1850569, MONDO:0009725, OMIM 256030.
Inborn genetic diseases. Identifiers: MedGen C0950123, MeSH D030342.

Allele frequency attached by ClinVar (database versions not stated): ExAC 0.00001; gnomAD exomes 0.00001 and 0.00002; gnomAD 0.00002; TOPMed 0.00002.
gnomAD v4.1: 7 of 1,613,798 alleles (0.00043%); highest among the groups gnomAD compares: East Asian, 0.016%; no homozygotes.

Submissions (2):

Ambry Genetics
Classification: Uncertain significance for Inborn genetic diseases. Last evaluated: 2024-02-05. Review status: criteria provided, single submitter. Criteria: Ambry Variant Classification Scheme 2023. Collection method: clinical testing. Allele origin: germline.

Labcorp Genetics (formerly Invitae), Labcorp
Classification: Uncertain significance for Nemaline myopathy 2. Last evaluated: 2021-10-09. Review status: criteria provided, single submitter. Criteria: Invitae Variant Classification Sherloc (09022015). Collection method: clinical testing. Allele origin: germline.
Comment: This sequence change replaces phenylalanine with leucine at codon 3428 of the NEB protein (p.Phe3428Leu). The phenylalanine residue is moderately conserved and there is a small physicochemical difference between phenylalanine and leucine. This variant is present in population databases (rs766193154, ExAC 0.01%). This variant has not been reported in the literature in individuals affected with NEB-related conditions. Algorithms developed to predict the effect of missense changes on protein structure and function are either unavailable or do not agree on the potential impact of this missense change (SIFT: "Deleterious"; PolyPhen-2: "Not Available"; Align-GVGD: "Class C0"). In summary, the available evidence is currently insufficient to determine the role of this variant in disease. Therefore, it has been classified as a Variant of Uncertain Significance.